The following is an entry in ClinVar:

ClinVar aggregate classification (germline): Uncertain significance. Review status: criteria provided, multiple submitters, no conflicts (2 of 4 stars). 3 submissions from 3 submitters: Uncertain significance (2). 1 of the submissions does not count toward it. Last evaluated 2022-08-09.

Conditions:
Neuronal ceroid lipofuscinosis 1 (CLN1). Also called: CEROID LIPOFUSCINOSIS, NEURONAL, 1, VARIABLE AGE AT ONSET; PPT1-Related Neuronal Ceroid-Lipofuscinosis. Identifiers: Orphanet 228329, MedGen C1850451, MONDO:0009744, OMIM 256730.

Allele frequency attached by ClinVar (database versions not stated): gnomAD exomes below 0.00001 and 0.00001; TOPMed below 0.00001; ExAC 0.00001; gnomAD 0.00001; 1000 Genomes Project 30x 0.00016; 1000 Genomes Project 0.00020.
gnomAD v4.1: 13 of 1,614,194 alleles (0.00081%); highest among the groups gnomAD compares: African/African-American, 0.0013%; no homozygotes.

Submissions (3):

Labcorp Genetics (formerly Invitae), Labcorp
Classification: Uncertain significance for Neuronal ceroid lipofuscinosis 1. Last evaluated: 2022-08-09. Review status: criteria provided, single submitter. Criteria: Invitae Variant Classification Sherloc (09022015). Collection method: clinical testing. Allele origin: germline.
Comment: ClinVar contains an entry for this variant (Variation ID: 465418). In summary, the available evidence is currently insufficient to determine the role of this variant in disease. Therefore, it has been classified as a Variant of Uncertain Significance. Algorithms developed to predict the effect of missense changes on protein structure and function (SIFT, PolyPhen-2, Align-GVGD) all suggest that this variant is likely to be tolerated. This variant has not been reported in the literature in individuals affected with PPT1-related conditions. This variant is present in population databases (rs201313087, gnomAD 0.004%). This sequence change replaces proline, which is neutral and non-polar, with threonine, which is neutral and polar, at codon 257 of the PPT1 protein (p.Pro257Thr).

GeneDx
Classification: Uncertain significance. Last evaluated: 2020-08-04. Review status: criteria provided, single submitter. Criteria: GeneDx Variant Classification Process June 2021. Collection method: clinical testing. Allele origin: germline. Affected: yes.
Comment: Not observed at a significant frequency in large population cohorts (Lek et al., 2016); In silico analysis, which includes protein predictors and evolutionary conservation, supports that this variant does not alter protein structure/function; Has not been previously published as pathogenic or benign to our knowledge

Natera, Inc.
Classification: Uncertain significance for Neuronal ceroid lipofuscinosis 1. Last evaluated: 2020-10-26. Review status: no assertion criteria provided. Collection method: clinical testing. Allele origin: germline. Not counted in ClinVar's aggregate classification.

NM_000310.4(PPT1):c.769C>A (p.Pro257Thr)

Gene: PPT1 (palmitoyl-protein thioesterase 1; minus strand). Cytogenetic location: 1p34.2.
Variant type: single nucleotide variant.
Coding change: c.769C>A on transcript NM_000310.4 (MANE Select); coding-DNA position 769, C replaced by A.
Protein change: p.Pro257Thr; replaces proline 257 with threonine.
Molecular consequence: missense variant. On other transcripts: intron variant (1).
Genome position (GRCh38, 1-based): chr1:40,076,871, G>T on the plus strand (C>A on the coding strand, the complement: PPT1 is on the minus strand). VCF-style: chr1-40076871-G-T. GRCh37 (hg19) VCF-style: chr1-40542543-G-T.
Other names: c.460C>A, p.Pro154Thr (NM_001142604.2); c.726+1689C>A (NM_001363695.2); short protein forms P257T, P154T.
Identifiers: ClinVar variation 465418 (VCV000465418.13), dbSNP rs201313087, ClinGen allele CA789569.